The following is an entry in ClinVar:

NM_001276345.2(TNNT2):c.-43C>T

Gene: TNNT2 (troponin T2, cardiac type; minus strand). Cytogenetic location: 1q32.1.
Variant type: single nucleotide variant.
Coding change: c.-43C>T on transcript NM_001276345.2 (MANE Select); 43 bases upstream of the start codon, C replaced by T.
Molecular consequence: 5 prime UTR variant.
Genome position (GRCh38, 1-based): chr1:201,377,651, G>A on the plus strand (C>T on the coding strand, the complement: TNNT2 is on the minus strand). VCF-style: chr1-201377651-G-A. GRCh37 (hg19) VCF-style: chr1-201346779-G-A.
Other names: c.-43C>T (NM_000364.4, NM_001001430.3, NM_001001431.3 and 2 more transcripts); c.-176C>T (NM_001276347.2).
Identifiers: ClinVar variation 668273 (VCV000668273.1), dbSNP rs1571707151, ClinGen allele CA344210639.

ClinVar aggregate classification (germline): Likely benign (1 of 4 stars; one submission).

Submission:

GeneDx
Classification: Likely benign. Last evaluated: 2018-05-11. Review status: criteria provided, single submitter. Criteria: GeneDx Variant Classification (06012015). Collection method: clinical testing. Allele origin: germline. Affected: yes.
Comment: This variant is considered likely benign or benign based on one or more of the following criteria: it is a conservative change, it occurs at a poorly conserved position in the protein, it is predicted to be benign by multiple in silico algorithms, and/or has population frequency not consistent with disease.